The following is an entry in ClinVar:

ClinVar aggregate classification (germline): Uncertain significance (1 of 4 stars; one submission).

Conditions:
Developmental and epileptic encephalopathy 94 (DEE94). Also called: CHD2-Related Neurodevelopmental Disorders; Epileptic encephalopathy, childhood-onset. Identifiers: Orphanet 1942, Orphanet 2382, MedGen C3809278, MONDO:0014150, OMIM 615369.

Allele frequency attached by ClinVar (database versions not stated): gnomAD exomes below 0.00001; TOPMed below 0.00001; ExAC 0.00001; gnomAD 0.00001; ESP Exome Variant Server 0.00008.
gnomAD v4.1: 4 of 1,613,722 alleles (0.00025%); highest among the groups gnomAD compares: Non-Finnish European, 0.00034%; no homozygotes.

Submission:

Labcorp Genetics (formerly Invitae), Labcorp
Classification: Uncertain significance for Developmental and epileptic encephalopathy 94. Last evaluated: 2020-12-08. Review status: criteria provided, single submitter. Criteria: Invitae Variant Classification Sherloc (09022015). Collection method: clinical testing. Allele origin: germline.
Comment: In summary, the available evidence is currently insufficient to determine the role of this variant in disease. Therefore, it has been classified as a Variant of Uncertain Significance. Advanced modeling of protein sequence and biophysical properties (such as structural, functional, and spatial information, amino acid conservation, physicochemical variation, residue mobility, and thermodynamic stability) performed at Invitae indicates that this missense variant is not expected to disrupt CHD2 protein function. This variant has not been reported in the literature in individuals with CHD2-related conditions. This variant is present in population databases (rs370737593, ExAC 0.002%). This sequence change replaces arginine with cysteine at codon 1119 of the CHD2 protein (p.Arg1119Cys). The arginine residue is highly conserved and there is a large physicochemical difference between arginine and cysteine.

NM_001271.4(CHD2):c.3355C>T (p.Arg1119Cys)

Gene: CHD2 (chromodomain helicase DNA binding protein 2; plus strand). Cytogenetic location: 15q26.1.
Variant type: single nucleotide variant.
Coding change: c.3355C>T on transcript NM_001271.4 (MANE Select); coding-DNA position 3355, C replaced by T.
Protein change: p.Arg1119Cys; replaces arginine 1119 with cysteine.
Molecular consequence: missense variant.
Genome position (GRCh38, 1-based): chr15:92,985,615, C>T. VCF-style: chr15-92985615-C-T. GRCh37 (hg19) VCF-style: chr15-93528845-C-T.
Other names: short protein forms R1119C.
Identifiers: ClinVar variation 1021408 (VCV001021408.9), dbSNP rs370737593, ClinGen allele CA7748189.
Genomic context (GRCh38, chr15:92,985,615, plus strand): 5'-TCTGCTTCTGAGAGTGAAACGGAAGACTCTGATGATGACAAGAAGCCAAAGCGCAGAGGG[C>T]GTCCGAGGAGTGTGCGGAAGGACCTCGTGGAGGGATTTACTGATGCAGAGATCCGAAGGT-3'
Protein context (NP_001262.3, residues 1109-1129): DDDKKPKRRG[Arg1119Cys]PRSVRKDLVE